The following is an entry in ClinVar:

ClinVar aggregate classification (germline): Uncertain significance. Review status: criteria provided, multiple submitters, no conflicts (2 of 4 stars). 2 submissions from 2 submitters: Uncertain significance (2). Last evaluated 2025-12-15.

Conditions:
Inborn genetic diseases. Identifiers: MedGen C0950123, MeSH D030342.

Submissions (2):

Labcorp Genetics (formerly Invitae), Labcorp
Classification: Uncertain significance. Last evaluated: 2025-12-15. Review status: criteria provided, single submitter. Criteria: Invitae Variant Classification Sherloc (09022015). Collection method: clinical testing. Allele origin: germline.
Comment: This sequence change replaces arginine, which is basic and polar, with glycine, which is neutral and non-polar, at codon 1020 of the ANKRD26 protein (p.Arg1020Gly). This variant is not present in population databases (gnomAD no frequency). This variant has not been reported in the literature in individuals affected with ANKRD26-related conditions. ClinVar contains an entry for this variant (Variation ID: 3914451). An algorithm developed to predict the effect of missense changes on protein structure and function (PolyPhen-2) suggests that this variant is likely to be tolerated. In summary, the available evidence is currently insufficient to determine the role of this variant in disease. Therefore, it has been classified as a Variant of Uncertain Significance.

Ambry Genetics
Classification: Uncertain significance for Inborn genetic diseases. Last evaluated: 2025-05-16. Review status: criteria provided, single submitter. Criteria: Ambry Variant Classification Scheme 2023. Collection method: clinical testing. Allele origin: germline.
Comment: The p.R1020G variant (also known as c.3058C>G), located in coding exon 24 of the ANKRD26 gene, results from a C to G substitution at nucleotide position 3058. The arginine at codon 1020 is replaced by glycine, an amino acid with dissimilar properties. This amino acid position is conserved. In addition, this alteration is predicted to be tolerated by in silico analysis. Based on the available evidence, the clinical significance of this variant remains unclear.

NM_014915.3(ANKRD26):c.3058C>G (p.Arg1020Gly)

Gene: ANKRD26 (ankyrin repeat domain 26; minus strand). Cytogenetic location: 10p12.1.
Variant type: single nucleotide variant.
Coding change: c.3058C>G on transcript NM_014915.3 (MANE Select); coding-DNA position 3058, C replaced by G.
Protein change: p.Arg1020Gly; replaces arginine 1020 with glycine.
Molecular consequence: missense variant.
Genome position (GRCh38, 1-based): chr10:27,035,392, G>C on the plus strand (C>G on the coding strand, the complement: ANKRD26 is on the minus strand). VCF-style: chr10-27035392-G-C. GRCh37 (hg19) VCF-style: chr10-27324321-G-C.
Other names: c.3055C>G, p.Arg1019Gly (NM_001256053.2); short protein forms R1019G, R1020G.
Identifiers: ClinVar variation 3914451 (VCV003914451.2).